The following is an entry in ClinVar:

NM_001143809.2(BDNF):c.28C>T (p.Arg10Cys)

Gene: BDNF (brain derived neurotrophic factor; minus strand). Cytogenetic location: 11p14.1.
Variant type: single nucleotide variant.
Coding change: c.28C>T on transcript NM_001143809.2; coding-DNA position 28, C replaced by T.
Protein change: p.Arg10Cys; replaces arginine 10 with cysteine.
Molecular consequence: missense variant. On other transcripts: 5 prime UTR variant (3), intron variant (6).
Genome position (GRCh38, 1-based): chr11:27,701,009, G>A on the plus strand (C>T on the coding strand, the complement: BDNF is on the minus strand). VCF-style: chr11-27701009-G-A. GRCh37 (hg19) VCF-style: chr11-27722556-G-A.
Other names: c.-50C>T (NM_001143808.2); c.-97C>T (NM_001143810.2); c.-460C>T (NM_001143811.2); c.3+20403C>T (NM_170731.5); c.-22+19635C>T (NM_001143805.1); c.-22+19420C>T (NM_001143806.1); c.-22+19337C>T (NM_170732.4); c.-22+18502C>T (NM_001143807.2); and 1 more; short protein forms R10C.
Identifiers: ClinVar variation 3354417 (VCV003354417.1).

ClinVar aggregate classification (germline): Uncertain significance (0 of 4 stars; one submission).

Conditions:
BDNF-related disorder. Also called: BDNF-related condition.

Submission:

PreventionGenetics, part of Exact Sciences
Classification: Uncertain significance for BDNF-related condition. Last evaluated: 2024-08-29. Review status: no assertion criteria provided. Collection method: clinical testing. Allele origin: germline.
Comment: The BDNF c.28C>T variant is predicted to result in the amino acid substitution p.Arg10Cys. To our knowledge, this variant has not been reported in the literature or in a large population database, indicating this variant is rare. At this time, the clinical significance of this variant is uncertain due to the absence of conclusive functional and genetic evidence.